The following is an entry in ClinVar:

ClinVar aggregate classification (germline): Conflicting classifications of pathogenicity. Review status: criteria provided, conflicting classifications (1 of 4 stars). 3 submissions from 3 submitters: Uncertain significance (2); Likely benign (1). Last evaluated 2025-03-06.

Conditions:
X-linked myopathy with postural muscle atrophy. Also called: FHL1-Related Emery-Dreifuss Muscular Dystrophy, X-Linked. Identifiers: Orphanet 178461, MedGen C2678055, MONDO:0010401, OMIM 300696.
Cardiovascular phenotype. Identifiers: MedGen CN230736.

Allele frequency attached by ClinVar (database versions not stated): gnomAD 0.00001.
gnomAD v4.1: 4 of 1,211,079 alleles (0.00033%); highest among the groups gnomAD compares: Non-Finnish European, 0.00045%; no homozygotes.

Submissions (3):

Ambry Genetics
Classification: Likely benign for Cardiovascular phenotype. Last evaluated: 2025-03-06. Review status: criteria provided, single submitter. Criteria: Ambry Variant Classification Scheme 2023. Collection method: clinical testing. Allele origin: germline.

Mayo Clinic Laboratories, Mayo Clinic
Classification: Uncertain significance. Last evaluated: 2025-03-05. Review status: criteria provided, single submitter. Criteria: ACMG Guidelines, 2015. Collection method: clinical testing. Allele origin: germline. Observed: 1 variant allele.
Comment: BP4_moderate, PM2_supporting

Labcorp Genetics (formerly Invitae), Labcorp
Classification: Uncertain significance for X-linked myopathy with postural muscle atrophy. Last evaluated: 2024-06-09. Review status: criteria provided, single submitter. Criteria: Invitae Variant Classification Sherloc (09022015). Collection method: clinical testing. Allele origin: germline.
Comment: This sequence change replaces threonine, which is neutral and polar, with asparagine, which is neutral and polar, at codon 156 of the FHL1 protein (p.Thr156Asn). This variant is present in population databases (rs763012291, gnomAD 0.001%). This missense change has been observed in individual(s) with unexplained cardiac arrest (PMID: 35352813). An algorithm developed to predict the effect of missense changes on protein structure and function (PolyPhen-2) suggests that this variant is likely to be tolerated. In summary, the available evidence is currently insufficient to determine the role of this variant in disease. Therefore, it has been classified as a Variant of Uncertain Significance.

Literature cited by the submitters: PubMed 35352813 (cited by 3 submitters).

NM_001159699.2(FHL1):c.515C>A (p.Thr172Asn)

Gene: FHL1 (four and a half LIM domains 1; plus strand). Cytogenetic location: Xq26.3.
Variant type: single nucleotide variant.
Coding change: c.515C>A on transcript NM_001159699.2 (MANE Select); coding-DNA position 515, C replaced by A.
Protein change: p.Thr172Asn; replaces threonine 172 with asparagine.
Molecular consequence: missense variant. On other transcripts: non-coding transcript variant (1).
Genome position (GRCh38, 1-based): chrX:136,207,927, C>A. VCF-style: chrX-136207927-C-A. GRCh37 (hg19) VCF-style: chrX-135290086-C-A.
Other names: p.Thr156Asn; c.467C>A, p.Thr156Asn (NM_001159700.2, NM_001159702.3, NM_001159703.2 and 9 more transcripts); c.554C>A, p.Thr185Asn (NM_001159701.2); c.467C>A (NM_001449.4); c.515C>A, p.Thr172Asn (NM_001330659.2); short protein forms T185N, T156N, T172N.
Identifiers: ClinVar variation 2729333 (VCV002729333.5), dbSNP rs763012291, ClinGen allele CA10525021.